The following is an entry in ClinVar:

NM_005562.3(LAMC2):c.741C>A (p.Asp247Glu)

Gene: LAMC2 (laminin subunit gamma 2; plus strand). Cytogenetic location: 1q25.3.
Variant type: single nucleotide variant.
Coding change: c.741C>A on transcript NM_005562.3 (MANE Select); coding-DNA position 741, C replaced by A.
Protein change: p.Asp247Glu; replaces aspartic acid 247 with glutamic acid.
Molecular consequence: missense variant.
Genome position (GRCh38, 1-based): chr1:183,222,189, C>A. VCF-style: chr1-183222189-C-A. GRCh37 (hg19) VCF-style: chr1-183191324-C-A.
Other names: c.741C>A, p.Asp247Glu (NM_018891.3); short protein forms D247E.
Identifiers: ClinVar variation 293997 (VCV000293997.15), dbSNP rs2296306, ClinGen allele CA1282411.

ClinVar aggregate classification (germline): Benign. Review status: criteria provided, multiple submitters, no conflicts (2 of 4 stars). 4 submissions from 4 submitters: Benign (4). Last evaluated 2026-02-04.

Conditions:
Junctional epidermolysis bullosa. Identifiers: Orphanet 305, MedGen C0079301, MONDO:0017612.

Allele frequency attached by ClinVar (database versions not stated): ESP Exome Variant Server 0.03360; gnomAD 0.03381; TOPMed 0.03849; gnomAD exomes 0.05590; ExAC 0.05594; 1000 Genomes Project 30x 0.06184; 1000 Genomes Project 0.06430.
gnomAD v4.1: 69,981 of 1,613,250 alleles (4.3%); highest among the groups gnomAD compares: South Asian, 11%; 2,108 homozygotes.

Submissions (4):

Labcorp Genetics (formerly Invitae), Labcorp
Classification: Benign. Last evaluated: 2026-02-04. Review status: criteria provided, single submitter. Criteria: Invitae Variant Classification Sherloc (09022015). Collection method: clinical testing. Allele origin: germline.

GeneDx
Classification: Benign. Last evaluated: 2021-11-02. Review status: criteria provided, single submitter. Criteria: GeneDx Variant Classification Process June 2021. Collection method: clinical testing. Allele origin: germline. Affected: yes.
Comment: This variant is associated with the following publications: (PMID: 11564184)

Illumina Laboratory Services, Illumina
Classification: Benign for Junctional epidermolysis bullosa. Last evaluated: 2018-01-13. Review status: criteria provided, single submitter. Criteria: ICSL Variant Classification Criteria 13 December 2019. Collection method: clinical testing. Allele origin: germline.
Comment: This variant was observed in the ICSL laboratory as part of a predisposition screen in an ostensibly healthy population. It had not been previously curated by ICSL or reported in the Human Gene Mutation Database (HGMD: prior to June 1st, 2018), and was therefore a candidate for classification through an automated scoring system. Utilizing variant allele frequency, disease prevalence and penetrance estimates, and inheritance mode, an automated score was calculated to assess if this variant is too frequent to cause the disease. Based on the score and internal cut-off values, a variant classified as benign is not then subjected to further curation. The score for this variant resulted in a classification of benign for this disease.

Breakthrough Genomics
Classification: Benign. Review status: criteria provided, single submitter. Criteria: ACMG Guidelines, 2015. Collection method: not provided. Allele origin: germline. Inheritance: Autosomal recessive inheritance. Affected: yes.